The following is an entry in ClinVar:

NM_001042492.3(NF1):c.3709-3C>T

Gene: NF1 (neurofibromin 1; plus strand). Cytogenetic location: 17q11.2.
Variant type: single nucleotide variant.
Coding change: c.3709-3C>T on transcript NM_001042492.3 (MANE Select); 3 bases into the intron before coding-DNA position 3709, C replaced by T.
Molecular consequence: intron variant.
Genome position (GRCh38, 1-based): chr17:31,235,608, C>T. VCF-style: chr17-31235608-C-T. GRCh37 (hg19) VCF-style: chr17-29562626-C-T.
Other names: c.3709-3C>T (NM_000267.4).
Identifiers: ClinVar variation 1003964 (VCV001003964.5), dbSNP rs1555615430, ClinGen allele CA2255572815.

ClinVar aggregate classification (germline): Uncertain significance (1 of 4 stars; one submission).

Conditions:
Neurofibromatosis, type 1 (NF1). Also called: NEUROFIBROMATOSIS, TYPE I, SOMATIC; Peripheral type neurofibromatosis; VON RECKLINGHAUSEN DISEASE; Neurofibromatosis, type I. Identifiers: Orphanet 636, MedGen C0027831, MONDO:0018975, OMIM 162200. Disease mechanism: loss of function.

Submission:

Labcorp Genetics (formerly Invitae), Labcorp
Classification: Uncertain significance for Neurofibromatosis, type 1. Last evaluated: 2023-09-05. Review status: criteria provided, single submitter. Criteria: Invitae Variant Classification Sherloc (09022015). Collection method: clinical testing. Allele origin: germline.
Comment: In summary, the available evidence is currently insufficient to determine the role of this variant in disease. Therefore, it has been classified as a Variant of Uncertain Significance. Variants that disrupt the consensus splice site are a relatively common cause of aberrant splicing (PMID: 17576681, 9536098). Algorithms developed to predict the effect of sequence changes on RNA splicing suggest that this variant is not likely to affect RNA splicing. ClinVar contains an entry for this variant (Variation ID: 1003964). This variant has not been reported in the literature in individuals affected with NF1-related conditions. This variant is not present in population databases (gnomAD no frequency). This sequence change falls in intron 27 of the NF1 gene. It does not directly change the encoded amino acid sequence of the NF1 protein. It affects a nucleotide within the consensus splice site.

Literature cited by the submitters: PubMed 17576681; PubMed 9536098.